The following is an entry in ClinVar:

NM_024757.5(EHMT1):c.19G>C (p.Glu7Gln)

Genes: EHMT1 (euchromatic histone lysine methyltransferase 1; plus strand), LOC130003135 (ATAC-STARR-seq lymphoblastoid silent region 20636; plus strand). Cytogenetic location: 9q34.3.
Variant type: single nucleotide variant.
Coding change: c.19G>C on transcript NM_024757.5 (MANE Select); coding-DNA position 19, G replaced by C.
Protein change: p.Glu7Gln; replaces glutamic acid 7 with glutamine.
Molecular consequence: missense variant. On other transcripts: 5 prime UTR variant (2).
Genome position (GRCh38, 1-based): chr9:137,619,047, G>C. VCF-style: chr9-137619047-G-C. GRCh37 (hg19) VCF-style: chr9-140513499-G-C.
Other names: c.19G>C, p.Glu7Gln (NM_001145527.2, NM_001354263.2, NM_001354611.2); c.-11G>C (NM_001354259.2, NM_001354612.2); short protein forms E7Q.
Identifiers: ClinVar variation 1704835 (VCV001704835.2), dbSNP rs1483680534, ClinGen allele CA375778276.

ClinVar aggregate classification (germline): Uncertain significance (1 of 4 stars; one submission).

Submission:

GeneDx
Classification: Uncertain significance. Last evaluated: 2022-03-08. Review status: criteria provided, single submitter. Criteria: GeneDx Variant Classification Process June 2021. Collection method: clinical testing. Allele origin: germline. Affected: yes.
Comment: Has not been previously published as pathogenic or benign to our knowledge; Not observed at significant frequency in large population cohorts (gnomAD); In silico analysis supports that this missense variant does not alter protein structure/function